The following is an entry in ClinVar:

NM_176787.5(PIGN):c.2503-3C>T

Gene: PIGN (phosphatidylinositol glycan anchor biosynthesis class N; minus strand). Cytogenetic location: 18q21.33.
Variant type: single nucleotide variant.
Coding change: c.2503-3C>T on transcript NM_176787.5 (MANE Select); 3 bases into the intron before coding-DNA position 2503, C replaced by T.
Molecular consequence: intron variant.
Genome position (GRCh38, 1-based): chr18:62,082,749, G>A on the plus strand (C>T on the coding strand, the complement: PIGN is on the minus strand). VCF-style: chr18-62082749-G-A. GRCh37 (hg19) VCF-style: chr18-59749982-G-A.
Other names: c.2503-3C>T (NM_012327.6).
Identifiers: ClinVar variation 2102020 (VCV002102020.4), dbSNP rs2512383470, ClinGen allele CA2580095969.
Genomic context (GRCh38, chr18:62,082,749, plus strand): 5'-GAGTAGTCAACTGAACTGCTTCAAAAGCACACATAACAAGAACAAAGGGGATTAAAATCT[G>A]TAAAAGAACAATAAATGATGCAAGGAATAACTGAAGCATCTGAAACACTTTTTGAAAAAA-3'

ClinVar aggregate classification (germline): Uncertain significance (1 of 4 stars; one submission).

Conditions:
Multiple congenital anomalies-hypotonia-seizures syndrome 1 (MCAHS1). Also called: PIGN-CDG; Congenital disorder of glycosylation due to PIGN deficiency; GLYCOSYLPHOSPHATIDYLINOSITOL BIOSYNTHESIS DEFECT 3. Identifiers: Orphanet 280633, MedGen C3279775, MONDO:0013563, OMIM 614080.

Submission:

Labcorp Genetics (formerly Invitae), Labcorp
Classification: Uncertain significance for Multiple congenital anomalies-hypotonia-seizures syndrome 1. Last evaluated: 2022-02-22. Review status: criteria provided, single submitter. Criteria: Invitae Variant Classification Sherloc (09022015). Collection method: clinical testing. Allele origin: germline.
Comment: In summary, the available evidence is currently insufficient to determine the role of this variant in disease. Therefore, it has been classified as a Variant of Uncertain Significance. Variants that disrupt the consensus splice site are a relatively common cause of aberrant splicing (PMID: 17576681, 9536098). This variant has not been reported in the literature in individuals affected with PIGN-related conditions. This variant is not present in population databases (gnomAD no frequency). This sequence change falls in intron 27 of the PIGN gene. It does not directly change the encoded amino acid sequence of the PIGN protein. It affects a nucleotide within the consensus splice site.

Literature cited by the submitters: PubMed 17576681; PubMed 9536098.